The following is an entry in ClinVar:

NM_002474.3(MYH11):c.2412-234G>C

Gene: MYH11 (myosin heavy chain 11; minus strand). Cytogenetic location: 16p13.11.
Variant type: single nucleotide variant.
Coding change: c.2412-234G>C on transcript NM_002474.3 (MANE Select); 234 bases into the intron before coding-DNA position 2412, G replaced by C.
Molecular consequence: intron variant.
Genome position (GRCh38, 1-based): chr16:15,745,471, C>G on the plus strand (G>C on the coding strand, the complement: MYH11 is on the minus strand). VCF-style: chr16-15745471-C-G. GRCh37 (hg19) VCF-style: chr16-15839328-C-G.
Other names: c.2412-234G>C (NM_022844.3); c.2433-234G>C (NM_001040114.2, NM_001040113.2).
Identifiers: ClinVar variation 678515 (VCV000678515.1), dbSNP rs8045110, ClinGen allele CA14241615.

ClinVar aggregate classification (germline): Benign (1 of 4 stars; one submission).

Allele frequency attached by ClinVar (database versions not stated): TOPMed 0.32815; gnomAD 0.33079 and 0.32712; 1000 Genomes Project 30x 0.35353; 1000 Genomes Project 0.35803.
gnomAD v4.1: 50,091 of 152,084 alleles (33%); highest among the groups gnomAD compares: East Asian, 56%; 8,501 homozygotes.

Submission:

GeneDx
Classification: Benign. Last evaluated: 2018-06-18. Review status: criteria provided, single submitter. Criteria: GeneDx Variant Classification (06012015). Collection method: clinical testing. Allele origin: germline. Affected: yes.
Comment: This variant is considered likely benign or benign based on one or more of the following criteria: it is a conservative change, it occurs at a poorly conserved position in the protein, it is predicted to be benign by multiple in silico algorithms, and/or has population frequency not consistent with disease.